The following is an entry in ClinVar:

ClinVar aggregate classification (germline): Uncertain significance (1 of 4 stars; one submission).

Conditions:
Walker-Warburg congenital muscular dystrophy. Also called: Muscular dystrophy-dystroglycanopathy, type A; Walker-Warburg syndrome. Identifiers: Orphanet 899, MedGen C0265221, MONDO:0000171.

Allele frequency attached by ClinVar (database versions not stated): TOPMed below 0.00001; gnomAD 0.00001.
gnomAD v4.1: 1 of 1,599,876 alleles (0.000063%); highest among the groups gnomAD compares: African/African-American, 0.0013%; no homozygotes.

Submission:

Labcorp Genetics (formerly Invitae), Labcorp
Classification: Uncertain significance for Walker-Warburg congenital muscular dystrophy. Last evaluated: 2021-08-27. Review status: criteria provided, single submitter. Criteria: Invitae Variant Classification Sherloc (09022015). Collection method: clinical testing. Allele origin: germline.
Comment: This sequence change replaces tyrosine with serine at codon 361 of the FKRP protein (p.Tyr361Ser). The tyrosine residue is highly conserved and there is a large physicochemical difference between tyrosine and serine. This variant is not present in population databases (ExAC no frequency). This variant has not been reported in the literature in individuals affected with FKRP-related conditions. Algorithms developed to predict the effect of missense changes on protein structure and function are either unavailable or do not agree on the potential impact of this missense change (SIFT: "Deleterious"; PolyPhen-2: "Probably Damaging"; Align-GVGD: "Class C0"). In summary, the available evidence is currently insufficient to determine the role of this variant in disease. Therefore, it has been classified as a Variant of Uncertain Significance.

NM_024301.5(FKRP):c.1082A>C (p.Tyr361Ser)

Gene: FKRP (fukutin related protein; plus strand). Cytogenetic location: 19q13.32.
Variant type: single nucleotide variant.
Coding change: c.1082A>C on transcript NM_024301.5 (MANE Select); coding-DNA position 1082, A replaced by C.
Protein change: p.Tyr361Ser; replaces tyrosine 361 with serine.
Molecular consequence: missense variant.
Genome position (GRCh38, 1-based): chr19:46,756,532, A>C. VCF-style: chr19-46756532-A-C. GRCh37 (hg19) VCF-style: chr19-47259789-A-C.
Other names: c.1082A>C, p.Tyr361Ser (NM_001039885.3); short protein forms Y361S.
Identifiers: ClinVar variation 1368920 (VCV001368920.5), dbSNP rs906664695, ClinGen allele CA309099750.